The following is an entry in ClinVar:

ClinVar aggregate classification (germline): Uncertain significance. Review status: criteria provided, multiple submitters, no conflicts (2 of 4 stars). 2 submissions from 2 submitters: Uncertain significance (2). Last evaluated 2025-05-04.

Allele frequency attached by ClinVar (database versions not stated): TOPMed below 0.00001.

Submissions (2):

Labcorp Genetics (formerly Invitae), Labcorp
Classification: Uncertain significance. Last evaluated: 2025-05-04. Review status: criteria provided, single submitter. Criteria: Invitae Variant Classification Sherloc (09022015). Collection method: clinical testing. Allele origin: germline.
Comment: This sequence change replaces tryptophan, which is neutral and slightly polar, with cysteine, which is neutral and slightly polar, at codon 837 of the KCNH1 protein (p.Trp837Cys). This variant is not present in population databases (gnomAD no frequency). This variant has not been reported in the literature in individuals affected with KCNH1-related conditions. ClinVar contains an entry for this variant (Variation ID: 2865886). Invitae Evidence Modeling of protein sequence and biophysical properties (such as structural, functional, and spatial information, amino acid conservation, physicochemical variation, residue mobility, and thermodynamic stability) has been performed for this missense variant. However, the output from this modeling did not meet the statistical confidence thresholds required to predict the impact of this variant on KCNH1 protein function. In summary, the available evidence is currently insufficient to determine the role of this variant in disease. Therefore, it has been classified as a Variant of Uncertain Significance.

Blueprint Genetics
Classification: Uncertain significance. Last evaluated: 2022-09-23. Review status: criteria provided, single submitter. Criteria: ACMG Guidelines, 2015. Collection method: clinical testing. Allele origin: germline.

NM_172362.3(KCNH1):c.2511G>C (p.Trp837Cys)

Gene: KCNH1 (potassium voltage-gated channel subfamily H member 1; minus strand). Cytogenetic location: 1q32.2.
Variant type: single nucleotide variant.
Coding change: c.2511G>C on transcript NM_172362.3 (MANE Select); coding-DNA position 2511, G replaced by C.
Protein change: p.Trp837Cys; replaces tryptophan 837 with cysteine.
Molecular consequence: missense variant.
Genome position (GRCh38, 1-based): chr1:210,683,740, C>G on the plus strand (G>C on the coding strand, the complement: KCNH1 is on the minus strand). VCF-style: chr1-210683740-C-G. GRCh37 (hg19) VCF-style: chr1-210857082-C-G.
Other names: c.2430G>C, p.Trp810Cys (NM_002238.4); short protein forms W810C, W837C.
Identifiers: ClinVar variation 2865886 (VCV002865886.4), dbSNP rs1486237336, ClinGen allele CA344871037.